The following is an entry in ClinVar:

ClinVar aggregate classification (germline): Uncertain significance. Review status: criteria provided, multiple submitters, no conflicts (2 of 4 stars). 2 submissions from 2 submitters: Uncertain significance (2). Last evaluated 2024-02-21.

Conditions:
Cardiovascular phenotype. Identifiers: MedGen CN230736.

gnomAD v4.1: 3 of 1,612,700 alleles (0.00019%); highest among the groups gnomAD compares: Non-Finnish European, 0.00025%; no homozygotes.

Submissions (2):

GeneDx
Classification: Uncertain significance. Last evaluated: 2024-02-21. Review status: criteria provided, single submitter. Criteria: GeneDx Variant Classification Process June 2021. Collection method: clinical testing. Allele origin: germline. Affected: yes.
Comment: Not observed at significant frequency in large population cohorts (gnomAD); In silico analysis supports that this missense variant has a deleterious effect on protein structure/function; Has not been previously published as pathogenic or benign to our knowledge

Ambry Genetics
Classification: Uncertain significance for Cardiovascular phenotype. Last evaluated: 2022-03-22. Review status: criteria provided, single submitter. Criteria: Ambry Variant Classification Scheme 2023. Collection method: clinical testing. Allele origin: germline.
Comment: The p.G1885R variant (also known as c.5653G>C), located in coding exon 15 of the TNXB gene, results from a G to C substitution at nucleotide position 5653. The glycine at codon 1885 is replaced by arginine, an amino acid with dissimilar properties. This amino acid position is conserved. In addition, this alteration is predicted to be tolerated by in silico analysis. Since supporting evidence is limited at this time, the clinical significance of this alteration remains unclear.

NM_001365276.2(TNXB):c.5653G>C (p.Gly1885Arg)

Gene: TNXB (tenascin XB; minus strand). Cytogenetic location: 6p21.33.
Variant type: single nucleotide variant.
Coding change: c.5653G>C on transcript NM_001365276.2 (MANE Select); coding-DNA position 5653, G replaced by C.
Protein change: p.Gly1885Arg; replaces glycine 1885 with arginine.
Molecular consequence: missense variant.
Genome position (GRCh38, 1-based): chr6:32,069,071, C>G on the plus strand (G>C on the coding strand, the complement: TNXB is on the minus strand). VCF-style: chr6-32069071-C-G. GRCh37 (hg19) VCF-style: chr6-32036848-C-G.
Other names: c.5653G>C, p.Gly1885Arg (NM_019105.8); short protein forms G1885R.
Identifiers: ClinVar variation 1748882 (VCV001748882.3), dbSNP rs774865768, ClinGen allele CA363410077.